The following is an entry in ClinVar:

ClinVar aggregate classification (germline): Uncertain significance (1 of 4 stars; one submission).

Submission:

Labcorp Genetics (formerly Invitae), Labcorp
Classification: Uncertain significance. Last evaluated: 2022-04-20. Review status: criteria provided, single submitter. Criteria: Invitae Variant Classification Sherloc (09022015). Collection method: clinical testing. Allele origin: germline.
Comment: This variant, c.1115_1117del, results in the deletion of 1 amino acid(s) of the PNPLA8 protein (p.Arg372del), but otherwise preserves the integrity of the reading frame. This variant is present in population databases (rs765520405, gnomAD 0.006%). This variant has not been reported in the literature in individuals affected with PNPLA8-related conditions. Experimental studies and prediction algorithms are not available or were not evaluated, and the functional significance of this variant is currently unknown. In summary, the available evidence is currently insufficient to determine the role of this variant in disease. Therefore, it has been classified as a Variant of Uncertain Significance.

NM_001256007.3(PNPLA8):c.1112GAA[1] (p.Arg372del)

Gene: PNPLA8 (patatin like domain 8, phospholipase A2; minus strand). Cytogenetic location: 7q31.1.
Variant type: Microsatellite.
Coding change: c.1112GAA[1] on transcript NM_001256007.3 (MANE Select); one copy of the 3-base unit GAA starting at c.1112; the reference has two copies in a row; one copy, 3 bases deleted.
Protein change: p.Arg372del; deletes arginine 372.
Molecular consequence: inframe deletion.
Genome position (GRCh38, 1-based): chr7:108,514,233-108,514,235, TTC deleted on the plus strand (GAA on the coding strand, the reverse complement: PNPLA8 is on the minus strand); deleting any 3 consecutive bases within chr7:108,514,233-108,514,240 gives the same sequence; the position shown is the placement nearest the transcript's 3' end. VCF-style (leftmost placement, unchanged base first): chr7-108514232-GTTC-G. GRCh37 (hg19) VCF-style: chr7-108154676-GTTC-G.
Other names: c.1112GAA[1], p.Arg372del (NM_001256008.3, NM_001256009.3, NM_015723.5); c.812GAA[1], p.Arg272del (NM_001256010.3, NM_001256011.3); short protein forms R272del, R372del.
Identifiers: ClinVar variation 1927152 (VCV001927152.2), dbSNP rs765520405, ClinGen allele CA4439667.
Genomic context (GRCh38, chr7:108,514,232, plus strand): 5'-AATTCTAGAAGATGAAAAGTCAGTTCTTCAACCCTAGTAATGCAGAGCTTTGGGTCAGTT[GTTC>G]TTCTTAATGCCTGAACTAATGCCCGGGTCCTGTTATCAATACTCACCCTTGCGATAATCT-3'